The following is an entry in ClinVar:

ClinVar aggregate classification (germline): Benign. Review status: criteria provided, multiple submitters, no conflicts (2 of 4 stars). 5 submissions from 5 submitters: Benign (5). Last evaluated 2026-01-28.

Conditions:
Autosomal dominant aplasia and myelodysplasia. Also called: Bone marrow failure syndrome 1. Identifiers: Orphanet 314399, MedGen C3808553, MONDO:0013851, OMIM 614675.

Allele frequency attached by ClinVar (database versions not stated): TOPMed 0.00544; 1000 Genomes Project 30x 0.01077; 1000 Genomes Project 0.01258.
gnomAD v4.1: 2,781 of 1,556,654 alleles (0.18%); highest among the groups gnomAD compares: East Asian, 5.3%; 60 homozygotes.

Submissions (5):

Labcorp Genetics (formerly Invitae), Labcorp
Classification: Benign. Last evaluated: 2026-01-28. Review status: criteria provided, single submitter. Criteria: Invitae Variant Classification Sherloc (09022015). Collection method: clinical testing. Allele origin: germline.

ARUP Laboratories, Molecular Genetics and Genomics, ARUP Laboratories
Classification: Benign for Autosomal dominant aplasia and myelodysplasia. Last evaluated: 2025-04-18. Review status: criteria provided, single submitter. Criteria: ARUP Molecular Germline Variant Investigation Process 2024. Collection method: clinical testing. Allele origin: germline.

GeneDx
Classification: Benign. Last evaluated: 2019-06-15. Review status: criteria provided, single submitter. Criteria: GeneDx Variant Classification Process June 2021. Collection method: clinical testing. Allele origin: germline. Affected: yes.

Illumina Laboratory Services, Illumina
Classification: Benign for Autosomal dominant aplasia and myelodysplasia. Last evaluated: 2018-01-13. Review status: criteria provided, single submitter. Criteria: ICSL Variant Classification Criteria 13 December 2019. Collection method: clinical testing. Allele origin: germline.
Comment: This variant was observed in the ICSL laboratory as part of a predisposition screen in an ostensibly healthy population. It had not been previously curated by ICSL or reported in the Human Gene Mutation Database (HGMD: prior to June 1st, 2018), and was therefore a candidate for classification through an automated scoring system. Utilizing variant allele frequency, disease prevalence and penetrance estimates, and inheritance mode, an automated score was calculated to assess if this variant is too frequent to cause the disease. Based on the score and internal cut-off values, a variant classified as benign is not then subjected to further curation. The score for this variant resulted in a classification of benign for this disease.

Breakthrough Genomics
Classification: Benign. Review status: criteria provided, single submitter. Criteria: ACMG Guidelines, 2015. Collection method: not provided. Allele origin: germline. Inheritance: Autosomal dominant inheritance. Affected: yes.

NM_006947.4(SRP72):c.19G>T (p.Gly7Trp)

Genes: SRP72 (signal recognition particle 72; plus strand), LOC129992625 (ATAC-STARR-seq lymphoblastoid active region 21580; plus strand). Cytogenetic location: 4q12.
Variant type: single nucleotide variant.
Coding change: c.19G>T on transcript NM_006947.4 (MANE Select); coding-DNA position 19, G replaced by T.
Protein change: p.Gly7Trp; replaces glycine 7 with tryptophan.
Molecular consequence: missense variant. On other transcripts: non-coding transcript variant (1).
Genome position (GRCh38, 1-based): chr4:56,467,654, G>T. VCF-style: chr4-56467654-G-T. GRCh37 (hg19) VCF-style: chr4-57333820-G-T.
Other names: c.19G>T, p.Gly7Trp (NM_001267722.2); short protein forms G7W.
Identifiers: ClinVar variation 349112 (VCV000349112.17), dbSNP rs17524437, ClinGen allele CA2930920.
Genomic context (GRCh38, chr4:56,467,654, plus strand): 5'-CGGGGCAGAGGTCTCCCCGCCCCGCCCCTCGTCTCCTCCAAGATGGCGAGCGGCGGCAGC[G>T]GGGGGGTGTCAGTACCTGCGCTGTGGAGTGAAGTGAACCGGTATGGCCAGAACGGCGACT-3'
Protein context (NP_008878.3, residues 1-17): MASGGS[Gly7Trp]GVSVPALWSE